The following is an entry in ClinVar:

NM_001082486.2(ACD):c.644C>T (p.Thr215Met)

Gene: ACD (ACD shelterin complex subunit and telomerase recruitment factor; minus strand). Cytogenetic location: 16q22.1.
Variant type: single nucleotide variant.
Coding change: c.644C>T on transcript NM_001082486.2 (MANE Select); coding-DNA position 644, C replaced by T.
Protein change: p.Thr215Met; replaces threonine 215 with methionine.
Molecular consequence: missense variant.
Genome position (GRCh38, 1-based): chr16:67,658,929, G>A on the plus strand (C>T on the coding strand, the complement: ACD is on the minus strand). VCF-style: chr16-67658929-G-A. GRCh37 (hg19) VCF-style: chr16-67692832-G-A.
Other names: c.635C>T, p.Thr212Met (NM_022914.3); c.644C>T, p.Thr215Met (LRG_1237t1); short protein forms T215M, T212M.
Identifiers: ClinVar variation 575039 (VCV000575039.8), dbSNP rs72547495, ClinGen allele CA8114603.

ClinVar aggregate classification (germline): Uncertain significance (1 of 4 stars; one submission).

Conditions:
Dyskeratosis congenita, autosomal dominant 6 (DKCA6). Identifiers: Orphanet 3322, MedGen C4225284, MONDO:0014690, OMIM 616553.

Allele frequency attached by ClinVar (database versions not stated): gnomAD 0.00001; TOPMed 0.00002; ExAC 0.00004; gnomAD exomes 0.00008.

Submission:

Labcorp Genetics (formerly Invitae), Labcorp
Classification: Uncertain significance for Dyskeratosis congenita, autosomal dominant 6. Last evaluated: 2026-01-19. Review status: criteria provided, single submitter. Criteria: Invitae Variant Classification Sherloc (09022015). Collection method: clinical testing. Allele origin: germline.
Comment: This sequence change replaces threonine, which is neutral and polar, with methionine, which is neutral and non-polar, at codon 301 of the ACD protein (p.Thr301Met). This variant is present in population databases (rs72547495, gnomAD 0.07%). This variant has not been reported in the literature in individuals affected with ACD-related conditions. ClinVar contains an entry for this variant (Variation ID: 575039). An algorithm developed to predict the effect of missense changes on protein structure and function outputs the following: PolyPhen-2: "Benign". The methionine amino acid residue is found in multiple mammalian species, which suggests that this missense change does not adversely affect protein function. In summary, the available evidence is currently insufficient to determine the role of this variant in disease. Therefore, it has been classified as a Variant of Uncertain Significance.